The following is an entry in ClinVar:

NM_004656.4(BAP1):c.648C>T (p.Leu216=)

Gene: BAP1 (BRCA1 associated deubiquitinase 1; minus strand). Cytogenetic location: 3p21.1.
Variant type: single nucleotide variant.
Coding change: c.648C>T on transcript NM_004656.4 (MANE Select); coding-DNA position 648, C replaced by T.
Protein change: p.Leu216=; no amino-acid change (leucine 216 retained).
Molecular consequence: synonymous variant.
Genome position (GRCh38, 1-based): chr3:52,406,840, G>A on the plus strand (C>T on the coding strand, the complement: BAP1 is on the minus strand). VCF-style: chr3-52406840-G-A. GRCh37 (hg19) VCF-style: chr3-52440856-G-A.
Other names: c.648C>T (LRG_529t1).
Identifiers: ClinVar variation 485266 (VCV000485266.21), dbSNP rs758650064, ClinGen allele CA2437041.

ClinVar aggregate classification (germline): Benign/Likely benign. Review status: criteria provided, multiple submitters, no conflicts (2 of 4 stars). 6 submissions from 6 submitters: Benign (1); Likely benign (5). Last evaluated 2026-06-01.

Conditions:
BAP1-related tumor predisposition syndrome (TPDS1). Also called: BAP1 tumor predisposition syndrome; COMMON Syndrome; TUMOR PREDISPOSITION SYNDROME 1; Tumor susceptibility linked to germline BAP1 mutations. Identifiers: Orphanet 289539, MedGen C3280492, MONDO:0013692, OMIM 614327.
Hereditary cancer-predisposing syndrome. Also called: Hereditary neoplastic syndrome; Neoplastic Syndromes, Hereditary; Hereditary Cancer Syndrome; Tumor predisposition. Identifiers: Orphanet 140162, MedGen C0027672, MeSH D009386, MONDO:0015356.

Allele frequency attached by ClinVar (database versions not stated): gnomAD 0.00002; gnomAD exomes 0.00002 and 0.00004; TOPMed 0.00002; ExAC 0.00018.
gnomAD v4.1: 42 of 1,557,918 alleles (0.0027%); highest among the groups gnomAD compares: African/African-American, 0.0095%; no homozygotes.

Submissions (6):

CeGaT Center for Human Genetics Tuebingen
Classification: Likely benign. Last evaluated: 2026-06-01. Review status: criteria provided, single submitter. Criteria: CeGaT Center For Human Genetics Tuebingen Variant Classification Criteria Version 2. Collection method: clinical testing. Allele origin: germline. Affected: yes. Observed: 1 variant allele.
Comment: BAP1: BP4, BP7

Labcorp Genetics (formerly Invitae), Labcorp
Classification: Likely benign for BAP1-related tumor predisposition syndrome. Last evaluated: 2025-12-16. Review status: criteria provided, single submitter. Criteria: Invitae Variant Classification Sherloc (09022015). Collection method: clinical testing. Allele origin: germline.

Center for Genomic Medicine, Rigshospitalet, Copenhagen University Hospital
Classification: Likely benign. Last evaluated: 2025-03-04. Review status: criteria provided, single submitter. Criteria: ACMG Guidelines, 2015. Collection method: clinical testing. Allele origin: germline.

Myriad Genetics, Inc.
Classification: Benign for BAP1-related tumor predisposition syndrome. Last evaluated: 2024-07-12. Review status: criteria provided, single submitter. Criteria: Myriad Autosomal Dominant, Autosomal Recessive and X-Linked Classification Criteria (2023). Collection method: clinical testing. Allele origin: unknown.
Comment: This variant is considered benign. This variant is a silent/synonymous amino acid change and it is not expected to impact splicing.

Color Diagnostics, LLC DBA Color Health
Classification: Likely benign for Hereditary cancer-predisposing syndrome. Last evaluated: 2017-05-25. Review status: criteria provided, single submitter. Criteria: ACMG Guidelines, 2015. Collection method: clinical testing. Allele origin: germline.

Ambry Genetics
Classification: Likely benign for Hereditary cancer-predisposing syndrome. Last evaluated: 2016-03-22. Review status: criteria provided, single submitter. Criteria: Ambry Variant Classification Scheme 2023. Collection method: clinical testing. Allele origin: germline.